The following is an entry in ClinVar:

NM_024496.4(IRF2BPL):c.483del (p.Ala162fs)

Gene: IRF2BPL (interferon regulatory factor 2 binding protein like; minus strand). Cytogenetic location: 14q24.3.
Variant type: Deletion.
Coding change: c.483del on transcript NM_024496.4 (MANE Select); coding-DNA position 483, one base deleted (C; older notation c.483delC).
Protein change: p.Ala162fs; shifts the reading frame from alanine 162.
Molecular consequence: frameshift variant.
Genome position (GRCh38, 1-based): chr14:77,027,310, G deleted on the plus strand (C on the coding strand, the reverse complement: IRF2BPL is on the minus strand); the first of 2 consecutive G bases (chr14:77,027,310-77,027,311); deleting either gives the same sequence. VCF-style (leftmost placement, unchanged base first): chr14-77027309-CG-C. GRCh37 (hg19) VCF-style: chr14-77493652-CG-C.
Other names: short protein forms A162fs.
Identifiers: ClinVar variation 4854982 (VCV004854982.1).

ClinVar aggregate classification (germline): Likely pathogenic (1 of 4 stars; one submission).

Conditions:
Neurodevelopmental disorder with regression, abnormal movements, loss of speech, and seizures. Identifiers: Orphanet 597623, MedGen C4748127, MONDO:0060759, OMIM 618088.

Submission:

3billion
Classification: Likely pathogenic for Neurodevelopmental disorder with regression, abnormal movements, loss of speech, and seizures. Last evaluated: 2025-12-19. Review status: criteria provided, single submitter. Criteria: ACMG Guidelines, 2015. Collection method: clinical testing. Allele origin: germline. Affected: yes.
Comment: The variant is not observed in the gnomAD v4.1.0 dataset. Predicted Consequence/Location: Frameshift: predicted to result in a loss or disruption of normal protein function through protein truncation. The predicted truncated protein may be shortened by more than 10%. Therefore, this variant is classified as Likely pathogenic according to the recommendation of ACMG/AMP guideline.